The following is an entry in ClinVar:

NM_001458.5(FLNC):c.8026A>G (p.Lys2676Glu)

Genes: FLNC-AS1 (FLNC antisense RNA 1; minus strand), FLNC (filamin C; plus strand). Cytogenetic location: 7q32.1.
Variant type: single nucleotide variant.
Coding change: c.8026A>G on transcript NM_001458.5 (MANE Select); coding-DNA position 8026, A replaced by G.
Protein change: p.Lys2676Glu; replaces lysine 2676 with glutamic acid.
Molecular consequence: missense variant.
Genome position (GRCh38, 1-based): chr7:128,858,371, A>G. VCF-style: chr7-128858371-A-G. GRCh37 (hg19) VCF-style: chr7-128498425-A-G.
Other names: c.7927A>G, p.Lys2643Glu (NM_001127487.2); short protein forms K2676E, K2643E.
Identifiers: ClinVar variation 2928153 (VCV002928153.2), dbSNP rs768140989, ClinGen allele CA4476414.

ClinVar aggregate classification (germline): Uncertain significance (1 of 4 stars; one submission).

Conditions:
Myofibrillar myopathy 5. Also called: Filaminopathy (type); FILAMINOPATHY, AUTOSOMAL DOMINANT. Identifiers: Orphanet 171445, MedGen C1836050, MONDO:0012289, OMIM 609524.
Hypertrophic cardiomyopathy 26. Also called: Cardiomyopathy, familial hypertrophic, 26. Identifiers: Orphanet 75249, MedGen C4310749, MONDO:0014883, OMIM 617047.
Distal myopathy with posterior leg and anterior hand involvement. Also called: WILLIAMS DISTAL MYOPATHY. Identifiers: Orphanet 63273, MedGen C3279722, MONDO:0013550, OMIM 614065.
Dilated Cardiomyopathy, Dominant.

Allele frequency attached by ClinVar (database versions not stated): gnomAD exomes below 0.00001; TOPMed below 0.00001; ExAC 0.00001; gnomAD 0.00001.
gnomAD v4.1: 3 of 1,579,256 alleles (0.00019%); highest among the groups gnomAD compares: East Asian, 0.0067%; no homozygotes.

Submission:

Labcorp Genetics (formerly Invitae), Labcorp
Classification: Uncertain significance for Distal myopathy with posterior leg and anterior hand involvement; Myofibrillar myopathy 5; Hypertrophic cardiomyopathy 26. Last evaluated: 2023-09-13. Review status: criteria provided, single submitter. Criteria: Invitae Variant Classification Sherloc (09022015). Collection method: clinical testing. Allele origin: germline.
Comment: In summary, the available evidence is currently insufficient to determine the role of this variant in disease. Therefore, it has been classified as a Variant of Uncertain Significance. Advanced modeling of protein sequence and biophysical properties (such as structural, functional, and spatial information, amino acid conservation, physicochemical variation, residue mobility, and thermodynamic stability) performed at Invitae indicates that this missense variant is not expected to disrupt FLNC protein function. This variant has not been reported in the literature in individuals affected with FLNC-related conditions. This variant is present in population databases (rs768140989, gnomAD 0.02%). This sequence change replaces lysine, which is basic and polar, with glutamic acid, which is acidic and polar, at codon 2676 of the FLNC protein (p.Lys2676Glu).